The following is an entry in ClinVar:

NM_138694.4(PKHD1):c.11720del (p.Ile3907fs)

Gene: PKHD1 (PKHD1 ciliary IPT domain containing fibrocystin/polyductin; minus strand). Cytogenetic location: 6p12.3.
Variant type: Deletion.
Coding change: c.11720del on transcript NM_138694.4 (MANE Select); coding-DNA position 11720, one base deleted (T; older notation c.11720delT).
Protein change: p.Ile3907fs; shifts the reading frame from isoleucine 3907.
Molecular consequence: frameshift variant.
Genome position (GRCh38, 1-based): chr6:51,627,062, A deleted on the plus strand (T on the coding strand, the reverse complement: PKHD1 is on the minus strand). VCF-style (leftmost placement, unchanged base first): chr6-51627061-GA-G. GRCh37 (hg19) VCF-style: chr6-51491859-GA-G.
Other names: short protein forms I3907fs.
Identifiers: ClinVar variation 4816557 (VCV004816557.1).

ClinVar aggregate classification (germline): Likely pathogenic (1 of 4 stars; one submission).

Conditions:
Autosomal recessive polycystic kidney disease (ARPKD). Also called: AR polycystic kidney disease. Identifiers: Orphanet 731, Orphanet 8378, MedGen C0085548, MeSH D017044, MONDO:0009889.

Submission:

Natera, Inc.
Classification: Likely pathogenic for Autosomal recessive polycystic kidney disease. Last evaluated: 2024-11-05. Review status: criteria provided, single submitter. Criteria: Natera Variant Classification Schema (03/2026). Collection method: clinical testing. Allele origin: germline.
Comment: The c.11720del variant in PKHD1 is a frameshift variant predicted to shift the reading frame beginning at codon 3907 and leads to a stop codon 24 codons downstream. This variant is expected to result in nonsense mediated decay, truncation, or a dysfunctional protein product. This variant is rare in the general population with a frequency below the threshold expected for the associated phenotype(s). Given the available evidence, this variant is classified as Likely Pathogenic.